The following is an entry in ClinVar:

NM_144997.7(FLCN):c.750del (p.Trp251fs)

Gene: FLCN (folliculin; minus strand). Cytogenetic location: 17p11.2.
Variant type: Deletion.
Coding change: c.750del on transcript NM_144997.7 (MANE Select); coding-DNA position 750, one base deleted (G; older notation c.750delG).
Protein change: p.Trp251fs; shifts the reading frame from tryptophan 251.
Molecular consequence: frameshift variant.
Genome position (GRCh38, 1-based): chr17:17,222,530, C deleted on the plus strand (G on the coding strand, the reverse complement: FLCN is on the minus strand). VCF-style (leftmost placement, unchanged base first): chr17-17222529-AC-A. GRCh37 (hg19) VCF-style: chr17-17125843-AC-A.
Other names: c.750del, p.Trp251fs (NM_001353230.2, NM_001353231.2, NM_144606.7); c.804del, p.Trp269fs (NM_001353229.2); short protein forms W251fs, W269fs.
Identifiers: ClinVar variation 4876019 (VCV004876019.1).

ClinVar aggregate classification (germline): Pathogenic (1 of 4 stars; one submission).

Conditions:
Birt-Hogg-Dube syndrome 1 (BHD1). Also called: FIBROFOLLICULOMAS WITH TRICHODISCOMAS AND ACROCHORDONS. Identifiers: Orphanet 122, MedGen CN375946, MONDO:0800445, OMIM 135150.

Submission:

Myriad Genetics, Inc.
Classification: Pathogenic for Birt-Hogg-Dube syndrome 1. Last evaluated: 2026-04-24. Review status: criteria provided, single submitter. Criteria: Myriad Autosomal Dominant, Autosomal Recessive and X-Linked Classification Criteria (2023). Collection method: clinical testing. Allele origin: unknown.
Comment: This variant is considered pathogenic. This variant creates a frameshift predicted to result in premature protein truncation.